The following is an entry in ClinVar:

ClinVar aggregate classification (germline): Likely benign (1 of 4 stars; one submission).

gnomAD v4.1: 24 of 1,609,344 alleles (0.0015%); highest among the groups gnomAD compares: African/African-American, 0.0027%; no homozygotes.

Submission:

CeGaT Center for Human Genetics Tuebingen
Classification: Likely benign. Last evaluated: 2026-03-01. Review status: criteria provided, single submitter. Criteria: CeGaT Center For Human Genetics Tuebingen Variant Classification Criteria Version 2. Collection method: clinical testing. Allele origin: germline. Affected: yes. Observed: 1 variant allele.
Comment: MLXIPL: BP4, BP7

NM_032951.3(MLXIPL):c.1611G>A (p.Pro537=)

Gene: MLXIPL (MLX interacting protein like; minus strand). Cytogenetic location: 7q11.23.
Variant type: single nucleotide variant.
Coding change: c.1611G>A on transcript NM_032951.3 (MANE Select); coding-DNA position 1611, G replaced by A.
Protein change: p.Pro537=; no amino-acid change (proline 537 retained).
Molecular consequence: synonymous variant. On other transcripts: non-coding transcript variant (1).
Genome position (GRCh38, 1-based): chr7:73,596,925, C>T on the plus strand (G>A on the coding strand, the complement: MLXIPL is on the minus strand). VCF-style: chr7-73596925-C-T. GRCh37 (hg19) VCF-style: chr7-73011255-C-T.
Other names: c.1611G>A, p.Pro537= (NM_032952.3, NM_032953.3, NM_032954.3).
Identifiers: ClinVar variation 4822564 (VCV004822564.4).